The following is an entry in ClinVar:

NM_003482.4(KMT2D):c.11923A>T (p.Met3975Leu)

Gene: KMT2D (lysine methyltransferase 2D; minus strand). Cytogenetic location: 12q13.12.
Variant type: single nucleotide variant.
Coding change: c.11923A>T on transcript NM_003482.4 (MANE Select); coding-DNA position 11923, A replaced by T.
Protein change: p.Met3975Leu; replaces methionine 3975 with leucine.
Molecular consequence: missense variant.
Genome position (GRCh38, 1-based): chr12:49,032,782, T>A on the plus strand (A>T on the coding strand, the complement: KMT2D is on the minus strand). VCF-style: chr12-49032782-T-A. GRCh37 (hg19) VCF-style: chr12-49426565-T-A.
Other names: short protein forms M3975L.
Identifiers: ClinVar variation 3635115 (VCV003635115.2).

ClinVar aggregate classification (germline): Uncertain significance (1 of 4 stars; one submission).

Conditions:
Kabuki syndrome. Also called: NIIKAWA-KUROKI SYNDROME; Kabuki make-up syndrome. Identifiers: Orphanet 2322, MedGen C0796004, MONDO:0016512.

Submission:

Labcorp Genetics (formerly Invitae), Labcorp
Classification: Uncertain significance for Kabuki syndrome. Last evaluated: 2024-06-08. Review status: criteria provided, single submitter. Criteria: Invitae Variant Classification Sherloc (09022015). Collection method: clinical testing. Allele origin: germline.
Comment: This sequence change replaces methionine, which is neutral and non-polar, with leucine, which is neutral and non-polar, at codon 3975 of the KMT2D protein (p.Met3975Leu). This variant is not present in population databases (gnomAD no frequency). This variant has not been reported in the literature in individuals affected with KMT2D-related conditions. Advanced modeling of protein sequence and biophysical properties (such as structural, functional, and spatial information, amino acid conservation, physicochemical variation, residue mobility, and thermodynamic stability) performed at Invitae indicates that this missense variant is not expected to disrupt KMT2D protein function with a negative predictive value of 95%. In summary, the available evidence is currently insufficient to determine the role of this variant in disease. Therefore, it has been classified as a Variant of Uncertain Significance.